The following is an entry in ClinVar:

NM_024652.6(LRRK1):c.5099A>G (p.Asn1700Ser)

Genes: LRRK1 (leucine rich repeat kinase 1; plus strand), LRRK1-AS1 (LRRK1 antisense RNA 1; minus strand). Cytogenetic location: 15q26.3.
Variant type: single nucleotide variant.
Coding change: c.5099A>G on transcript NM_024652.6 (MANE Select); coding-DNA position 5099, A replaced by G.
Protein change: p.Asn1700Ser; replaces asparagine 1700 with serine.
Molecular consequence: missense variant.
Genome position (GRCh38, 1-based): chr15:101,065,536, A>G. VCF-style: chr15-101065536-A-G. GRCh37 (hg19) VCF-style: chr15-101605741-A-G.
Other names: short protein forms N1700S.
Identifiers: ClinVar variation 2046526 (VCV002046526.7), dbSNP rs189062191, ClinGen allele CA7762069.

ClinVar aggregate classification (germline): Likely benign. Review status: criteria provided, single submitter (1 of 4 stars). 2 submissions from 2 submitters: Likely benign (1). 1 of the submissions does not count toward it. Last evaluated 2025-09-16.

Conditions:
LRRK1-related disorder. Also called: LRRK1-related condition.

Allele frequency attached by ClinVar (database versions not stated): ExAC 0.00033; ESP Exome Variant Server 0.00056; gnomAD 0.00100; TOPMed 0.00105; 1000 Genomes Project 0.00220; 1000 Genomes Project 30x 0.00250.
gnomAD v4.1: 382 of 1,614,208 alleles (0.024%); highest among the groups gnomAD compares: African/African-American, 0.35%; 1 homozygote.

Submissions (3):

Labcorp Genetics (formerly Invitae), Labcorp
Classification: Likely benign. Last evaluated: 2025-09-16. Review status: criteria provided, single submitter. Criteria: Invitae Variant Classification Sherloc (09022015). Collection method: clinical testing. Allele origin: germline.

PreventionGenetics, part of Exact Sciences
Classification: Likely benign for LRRK1-related condition. Last evaluated: 2022-07-06. Review status: no assertion criteria provided. Collection method: clinical testing. Allele origin: germline. Not counted in ClinVar's aggregate classification.
Comment: This variant is classified as likely benign based on ACMG/AMP sequence variant interpretation guidelines (Richards et al. 2015 PMID: 25741868, with internal and published modifications).

Dr. Peter K. Rogan Lab, Western University
No classification provided (evidence only). Condition: Clear cell carcinoma of kidney. Review status: no classification provided. Collection method: in vitro. Allele origin: not applicable. Functional consequence: retained intron. Not counted in ClinVar's aggregate classification.